The following is an entry in ClinVar:

NM_004336.5(BUB1):c.1985C>T (p.Pro662Leu)

Gene: BUB1 (BUB1 mitotic checkpoint serine/threonine kinase; minus strand). Cytogenetic location: 2q13.
Variant type: single nucleotide variant.
Coding change: c.1985C>T on transcript NM_004336.5 (MANE Select); coding-DNA position 1985, C replaced by T.
Protein change: p.Pro662Leu; replaces proline 662 with leucine.
Molecular consequence: missense variant.
Genome position (GRCh38, 1-based): chr2:110,650,764, G>A on the plus strand (C>T on the coding strand, the complement: BUB1 is on the minus strand). VCF-style: chr2-110650764-G-A. GRCh37 (hg19) VCF-style: chr2-111408341-G-A.
Other names: c.1925C>T, p.Pro642Leu (NM_001278616.2); c.1985C>T, p.Pro662Leu (NM_001278617.2); short protein forms P662L, P642L.
Identifiers: ClinVar variation 1783865 (VCV001783865.4), dbSNP rs199900707, ClinGen allele CA1827907.
Genomic context (GRCh38, chr2:110,650,764, plus strand): 5'-GCAGGCTGGCTCAGACGAAGTAAGGATGCTGAATACATGTGAGACGACAAGGCCTGTTTT[G>A]GGCTTTTCTCTTGAATTGGACTGGACGTGTGAAAGGAATAAAGAAACCAAAACACCACAT-3'
Protein context (NP_004327.1, residues 652-672): GKFSPIQEKS[Pro662Leu]KQALSSHMYS

ClinVar aggregate classification (germline): Uncertain significance. Review status: criteria provided, multiple submitters, no conflicts (2 of 4 stars). 2 submissions from 2 submitters: Uncertain significance (2). Last evaluated 2025-08-03.

Allele frequency attached by ClinVar (database versions not stated): gnomAD exomes 0.00003; gnomAD 0.00004; TOPMed 0.00005; ExAC 0.00014.
gnomAD v4.1: 54 of 1,613,732 alleles (0.0033%); highest among the groups gnomAD compares: Admixed American, 0.05%; no homozygotes.

Submissions (2):

Labcorp Genetics (formerly Invitae), Labcorp
Classification: Uncertain significance. Last evaluated: 2025-08-03. Review status: criteria provided, single submitter. Criteria: Invitae Variant Classification Sherloc (09022015). Collection method: clinical testing. Allele origin: germline.
Comment: This sequence change replaces proline, which is neutral and non-polar, with leucine, which is neutral and non-polar, at codon 662 of the BUB1 protein (p.Pro662Leu). This variant is present in population databases (rs199900707, gnomAD 0.06%), and has an allele count higher than expected for a pathogenic variant. This variant has not been reported in the literature in individuals affected with BUB1-related conditions. ClinVar contains an entry for this variant (Variation ID: 1783865). An algorithm developed to predict the effect of missense changes on protein structure and function outputs the following: PolyPhen-2: "Not Available". The leucine amino acid residue is found in multiple mammalian species, which suggests that this missense change does not adversely affect protein function. In summary, the available evidence is currently insufficient to determine the role of this variant in disease. Therefore, it has been classified as a Variant of Uncertain Significance.

Ambry Genetics
Classification: Uncertain significance. Last evaluated: 2023-06-25. Review status: criteria provided, single submitter. Criteria: Ambry Variant Classification Scheme 2023. Collection method: clinical testing. Allele origin: germline.
Comment: The p.P662L variant (also known as c.1985C>T), located in coding exon 18 of the BUB1 gene, results from a C to T substitution at nucleotide position 1985. The proline at codon 662 is replaced by leucine, an amino acid with similar properties. This amino acid position is conserved. In addition, this alteration is predicted to be tolerated by in silico analysis. Since supporting evidence is limited at this time, the clinical significance of this alteration remains unclear.